The following is an entry in ClinVar:

ClinVar aggregate classification (germline): Likely pathogenic. Review status: criteria provided, multiple submitters, no conflicts (2 of 4 stars). 2 submissions from 2 submitters: Likely pathogenic (2). Last evaluated 2022-04-01.

Conditions:
DNMT3A-related disorder. Also called: DNMT3A-related disorders; DNMT3A-related condition.

Allele frequency attached by ClinVar (database versions not stated): ExAC 0.00005; ESP Exome Variant Server 0.00008.
gnomAD v4.1: 17 of 1,552,038 alleles (0.0011%); highest among the groups gnomAD compares: Admixed American, 0.002%; no homozygotes.

Submissions (2):

CeGaT Center for Human Genetics Tuebingen
Classification: Likely pathogenic. Last evaluated: 2022-04-01. Review status: criteria provided, single submitter. Criteria: CeGaT Center For Human Genetics Tuebingen Variant Classification Criteria Version 2. Collection method: clinical testing. Allele origin: germline. Affected: yes. Observed: 1 variant allele.
Comment: DNMT3A: PS2, PM5:Supporting, PP2, PP3

Blueprint Genetics
Classification: Likely pathogenic for DNMT3A-related disorders. Last evaluated: 2022-02-24. Review status: criteria provided, single submitter. Criteria: ACMG Guidelines, 2015. Collection method: clinical testing. Allele origin: germline. Affected: yes. Observed: 3 variant alleles.

NM_022552.5(DNMT3A):c.1906G>A (p.Val636Met)

Gene: DNMT3A (DNA methyltransferase 3 alpha; minus strand). Cytogenetic location: 2p23.3.
Variant type: single nucleotide variant.
Coding change: c.1906G>A on transcript NM_022552.5 (MANE Select); coding-DNA position 1906, G replaced by A.
Protein change: p.Val636Met; replaces valine 636 with methionine.
Molecular consequence: missense variant. On other transcripts: non-coding transcript variant (1).
Genome position (GRCh38, 1-based): chr2:25,243,928, C>T on the plus strand (G>A on the coding strand, the complement: DNMT3A is on the minus strand). VCF-style: chr2-25243928-C-T. GRCh37 (hg19) VCF-style: chr2-25466797-C-T.
Other names: c.1450G>A, p.Val484Met (NM_001320893.1); c.1237G>A, p.Val413Met (NM_001375819.1); c.1339G>A, p.Val447Met (NM_153759.3); c.1906G>A, p.Val636Met (NM_175629.2); short protein forms V413M, V447M, V484M, V636M.
Identifiers: ClinVar variation 1694950 (VCV001694950.32), dbSNP rs376550450, ClinGen allele CA1555828.
Genomic context (GRCh38, chr2:25,243,928, plus strand): 5'-GCCAGCACCTCTTGGGCCTGCACCCCTCACCTGTAGCGATTCCATCAAAGAGAGACAGCA[C>T]CCGGATGGGCTTCCTCTTCTCAGCTGGGACAGGTGGGTAAACCTTTGGAGGGTCCTAAGC-3'
Protein context (NP_072046.2, residues 626-646): VPAEKRKPIR[Val636Met]LSLFDGIATG